The following is an entry in ClinVar:

ClinVar aggregate classification (germline): Uncertain significance (1 of 4 stars; one submission).

Submission:

Labcorp Genetics (formerly Invitae), Labcorp
Classification: Uncertain significance. Last evaluated: 2022-07-21. Review status: criteria provided, single submitter. Criteria: Invitae Variant Classification Sherloc (09022015). Collection method: clinical testing. Allele origin: germline.
Comment: This variant is not present in population databases (gnomAD no frequency). This variant has not been reported in the literature in individuals affected with SI-related conditions. Advanced modeling of protein sequence and biophysical properties (such as structural, functional, and spatial information, amino acid conservation, physicochemical variation, residue mobility, and thermodynamic stability) performed at Invitae indicates that this missense variant is not expected to disrupt SI protein function. In summary, the available evidence is currently insufficient to determine the role of this variant in disease. Therefore, it has been classified as a Variant of Uncertain Significance. This sequence change replaces isoleucine, which is neutral and non-polar, with valine, which is neutral and non-polar, at codon 934 of the SI protein (p.Ile934Val).

NM_001041.4(SI):c.2800A>G (p.Ile934Val)

Gene: SI (sucrase-isomaltase; minus strand). Cytogenetic location: 3q26.1.
Variant type: single nucleotide variant.
Coding change: c.2800A>G on transcript NM_001041.4 (MANE Select); coding-DNA position 2800, A replaced by G.
Protein change: p.Ile934Val; replaces isoleucine 934 with valine.
Molecular consequence: missense variant.
Genome position (GRCh38, 1-based): chr3:165,030,804, T>C on the plus strand (A>G on the coding strand, the complement: SI is on the minus strand). VCF-style: chr3-165030804-T-C. GRCh37 (hg19) VCF-style: chr3-164748592-T-C.
Other names: short protein forms I934V.
Identifiers: ClinVar variation 1721756 (VCV001721756.5), dbSNP rs2473317800, ClinGen allele CA355045380.